The following is an entry in ClinVar:

NM_001001957.2(OR2W3):c.857A>G (p.Asn286Ser)

Gene: OR2W3 (olfactory receptor family 2 subfamily W member 3; plus strand). Cytogenetic location: 1q44.
Variant type: single nucleotide variant.
Coding change: c.857A>G on transcript NM_001001957.2 (MANE Select); coding-DNA position 857, A replaced by G.
Protein change: p.Asn286Ser; replaces asparagine 286 with serine.
Molecular consequence: missense variant.
Genome position (GRCh38, 1-based): chr1:247,896,443, A>G. VCF-style: chr1-247896443-A-G. GRCh37 (hg19) VCF-style: chr1-248059745-A-G.
Other names: short protein forms N286S.
Identifiers: ClinVar variation 2964109 (VCV002964109.3), dbSNP rs372062055, ClinGen allele CA1498705.

ClinVar aggregate classification (germline): Uncertain significance (1 of 4 stars; one submission).

Allele frequency attached by ClinVar (database versions not stated): gnomAD 0.00001; TOPMed 0.00001; ExAC 0.00002; ESP Exome Variant Server 0.00008.

Submission:

Labcorp Genetics (formerly Invitae), Labcorp
Classification: Uncertain significance. Last evaluated: 2024-09-29. Review status: criteria provided, single submitter. Criteria: Invitae Variant Classification Sherloc (09022015). Collection method: clinical testing. Allele origin: germline.
Comment: This sequence change replaces asparagine, which is neutral and polar, with serine, which is neutral and polar, at codon 286 of the OR2W3 protein (p.Asn286Ser). This variant is present in population databases (rs372062055, gnomAD 0.006%). This variant has not been reported in the literature in individuals affected with OR2W3-related conditions. An algorithm developed to predict the effect of missense changes on protein structure and function (PolyPhen-2) suggests that this variant is likely to be disruptive. In summary, the available evidence is currently insufficient to determine the role of this variant in disease. Therefore, it has been classified as a Variant of Uncertain Significance.